The following is an entry in ClinVar:

NM_001374736.1(DST):c.2300C>T (p.Thr767Ile)

Gene: DST (dystonin; minus strand). Cytogenetic location: 6p12.1.
Variant type: single nucleotide variant.
Coding change: c.2300C>T on transcript NM_001374736.1 (MANE Select); coding-DNA position 2300, C replaced by T.
Protein change: p.Thr767Ile; replaces threonine 767 with isoleucine.
Molecular consequence: missense variant.
Genome position (GRCh38, 1-based): chr6:56,640,333, G>A on the plus strand (C>T on the coding strand, the complement: DST is on the minus strand). VCF-style: chr6-56640333-G-A. GRCh37 (hg19) VCF-style: chr6-56505131-G-A.
Other names: c.2201C>T, p.Thr734Ile (NM_001144769.5); c.1787C>T, p.Thr596Ile (NM_001144770.2); c.2300C>T, p.Thr767Ile (NM_001374722.1); c.1667C>T, p.Thr556Ile (NM_001374729.1, NM_001374730.1, NM_001386100.1 and 1 more transcripts); c.2327C>T, p.Thr776Ile (NM_001374734.1); c.689C>T, p.Thr230Ile (NM_001723.7, NM_015548.5); short protein forms T556I, T596I, T734I, T230I, T767I, T776I.
Identifiers: ClinVar variation 652520 (VCV000652520.9), dbSNP rs1587524360, ClinGen allele CA364578628.

ClinVar aggregate classification (germline): Uncertain significance (1 of 4 stars; one submission).

Conditions:
Hereditary sensory and autonomic neuropathy type 6. Also called: Neuropathy, hereditary sensory and autonomic, type VI; HSAN VI. Identifiers: Orphanet 314381, MedGen C3539003, MONDO:0013839, OMIM 614653.
Epidermolysis bullosa simplex 3, localized or generalized intermediate, with BP230 deficiency (EBS3). Also called: Epidermolysis bullosa simplex due to BP230 deficiency; Epidermolysis bullosa simplex, autosomal recessive 2. Identifiers: Orphanet 412181, MedGen C3809470, MONDO:0014180, OMIM 615425.

Allele frequency attached by ClinVar (database versions not stated): gnomAD exomes below 0.00001.
gnomAD v4.1: 6 of 1,614,200 alleles (0.00037%); highest among the groups gnomAD compares: Non-Finnish European, 0.00051%; no homozygotes.

Submission:

Labcorp Genetics (formerly Invitae), Labcorp
Classification: Uncertain significance for Epidermolysis bullosa simplex 3, localized or generalized intermediate, with BP230 deficiency; Hereditary sensory and autonomic neuropathy type 6. Last evaluated: 2018-09-23. Review status: criteria provided, single submitter. Criteria: Invitae Variant Classification Sherloc (09022015). Collection method: clinical testing. Allele origin: germline.
Comment: In summary, the available evidence is currently insufficient to determine the role of this variant in disease. Therefore, it has been classified as a Variant of Uncertain Significance. Algorithms developed to predict the effect of missense changes on protein structure and function are either unavailable or do not agree on the potential impact of this missense change (SIFT: "Deleterious"; PolyPhen-2: "Possibly Damaging"; Align-GVGD: "Class C15"). This variant has not been reported in the literature in individuals with DST-related disease. This variant is not present in population databases (ExAC no frequency). This sequence change replaces threonine with isoleucine at codon 230 of the DST protein (p.Thr230Ile). The threonine residue is highly conserved and there is a moderate physicochemical difference between threonine and isoleucine.